The following is an entry in ClinVar:

ClinVar aggregate classification (germline): Uncertain significance (1 of 4 stars; one submission).

Conditions:
Early Myoclonic Encephalopathy. Identifiers: MedGen C0270855.

Allele frequency attached by ClinVar (database versions not stated): gnomAD 0.00001; gnomAD exomes 0.00001 and below 0.00001; ExAC 0.00001.
gnomAD v4.1: 9 of 1,614,052 alleles (0.00056%); highest among the groups gnomAD compares: East Asian, 0.0045%; no homozygotes.

Submission:

Labcorp Genetics (formerly Invitae), Labcorp
Classification: Uncertain significance for Early Myoclonic Encephalopathy. Last evaluated: 2019-09-14. Review status: criteria provided, single submitter. Criteria: Invitae Variant Classification Sherloc (09022015). Collection method: clinical testing. Allele origin: germline.
Comment: This sequence change replaces threonine with methionine at codon 1390 of the JMJD1C protein (p.Thr1390Met). The threonine residue is weakly conserved and there is a moderate physicochemical difference between threonine and methionine. This variant is present in population databases (rs747375729, ExAC 0.006%). In summary, the available evidence is currently insufficient to determine the role of this variant in disease. Therefore, it has been classified as a Variant of Uncertain Significance. Algorithms developed to predict the effect of missense changes on protein structure and function (SIFT, PolyPhen-2, Align-GVGD) all suggest that this variant is likely to be tolerated, but these predictions have not been confirmed by published functional studies and their clinical significance is uncertain. This variant has not been reported in the literature in individuals with JMJD1C-related conditions. ClinVar contains an entry for this variant (Variation ID: 567823).

NM_032776.3(JMJD1C):c.4169C>T (p.Thr1390Met)

Gene: JMJD1C (jumonji domain containing 1C; minus strand). Cytogenetic location: 10q21.3.
Variant type: single nucleotide variant.
Coding change: c.4169C>T on transcript NM_032776.3 (MANE Select); coding-DNA position 4169, C replaced by T.
Protein change: p.Thr1390Met; replaces threonine 1390 with methionine.
Molecular consequence: missense variant. On other transcripts: non-coding transcript variant (1).
Genome position (GRCh38, 1-based): chr10:63,207,500, G>A on the plus strand (C>T on the coding strand, the complement: JMJD1C is on the minus strand). VCF-style: chr10-63207500-G-A. GRCh37 (hg19) VCF-style: chr10-64967260-G-A.
Other names: c.3623C>T, p.Thr1208Met (NM_001282948.2, NM_001318154.2); c.3305C>T, p.Thr1102Met (NM_001318153.2); c.4055C>T, p.Thr1352Met (NM_001322252.2); c.3512C>T, p.Thr1171Met (NM_001322254.2, NM_001322258.2); short protein forms T1390M, T1102M, T1208M, T1171M, T1352M.
Identifiers: ClinVar variation 567823 (VCV000567823.11), dbSNP rs747375729, ClinGen allele CA5518317.